The following is an entry in ClinVar:

ClinVar aggregate classification (germline): Likely pathogenic (1 of 4 stars; one submission).

Conditions:
Pheochromocytoma/paraganglioma syndrome 5. Also called: Paragangliomas 5; SDHA-Related Hereditary Paraganglioma-Pheochromocytoma Syndrome. Identifiers: Orphanet 29072, MedGen C3279992, MONDO:0013602, OMIM 614165.
Mitochondrial complex II deficiency, nuclear type 1. Also called: SUCCINATE CoQ REDUCTASE DEFICIENCY. Identifiers: Orphanet 3208, MedGen C5700310, MONDO:0100294, OMIM 252011.

Submission:

Labcorp Genetics (formerly Invitae), Labcorp
Classification: Likely pathogenic for Pheochromocytoma/paraganglioma syndrome 5; Mitochondrial complex II deficiency, nuclear type 1. Last evaluated: 2021-12-31. Review status: criteria provided, single submitter. Criteria: Invitae Variant Classification Sherloc (09022015). Collection method: clinical testing. Allele origin: germline.
Comment: In summary, the currently available evidence indicates that the variant is pathogenic, but additional data are needed to prove that conclusively. Therefore, this variant has been classified as Likely Pathogenic. Algorithms developed to predict the effect of sequence changes on RNA splicing suggest that this variant may disrupt the consensus splice site. This variant has not been reported in the literature in individuals affected with SDHA-related conditions. This variant is not present in population databases (gnomAD no frequency). This variant results in the deletion of part of exon 6 (c.769_770+77del) of the SDHA gene. It is expected to disrupt RNA splicing. Variants that disrupt the donor or acceptor splice site typically lead to a loss of protein function (PMID: 16199547), and loss-of-function variants in SDHA are known to be pathogenic (PMID: 22974104, 24781757).

Literature cited by the submitters: PubMed 16199547; PubMed 22974104; PubMed 24781757.

NM_004168.4(SDHA):c.769_770+77del

Gene: SDHA (succinate dehydrogenase complex flavoprotein subunit A; plus strand). Cytogenetic location: 5p15.33.
Variant type: Deletion.
Coding change: c.769_770+77del on transcript NM_004168.4 (MANE Select); coding-DNA position 769 through 77 bases into the intron after coding-DNA position 770, 79 bases deleted.
Molecular consequence: splice donor variant.
Genome position (GRCh38, 1-based): chr5:228,332-228,410, 79 bases deleted. GRCh37 (hg19): chr5:228,447-228,525.
Other names: c.769_770+77del (NM_001330758.2); c.625_626+77del (NM_001294332.2).
Identifiers: ClinVar variation 2067609 (VCV002067609.4), dbSNP rs2477317847, ClinGen allele CA2580073082.